The following is an entry in ClinVar:

NM_014319.5(LEMD3):c.1853T>C (p.Met618Thr)

Gene: LEMD3 (LEM domain containing 3; plus strand). Cytogenetic location: 12q14.3.
Variant type: single nucleotide variant.
Coding change: c.1853T>C on transcript NM_014319.5 (MANE Select); coding-DNA position 1853, T replaced by C.
Protein change: p.Met618Thr; replaces methionine 618 with threonine.
Molecular consequence: missense variant.
Genome position (GRCh38, 1-based): chr12:65,238,746, T>C. VCF-style: chr12-65238746-T-C. GRCh37 (hg19) VCF-style: chr12-65632526-T-C.
Other names: c.1850T>C, p.Met617Thr (NM_001167614.2); short protein forms M617T, M618T.
Identifiers: ClinVar variation 1966074 (VCV001966074.5), dbSNP rs2498906141, ClinGen allele CA385671226.

ClinVar aggregate classification (germline): Uncertain significance (1 of 4 stars; one submission).

Submission:

Labcorp Genetics (formerly Invitae), Labcorp
Classification: Uncertain significance. Last evaluated: 2025-05-18. Review status: criteria provided, single submitter. Criteria: Invitae Variant Classification Sherloc (09022015). Collection method: clinical testing. Allele origin: germline.
Comment: This sequence change replaces methionine, which is neutral and non-polar, with threonine, which is neutral and polar, at codon 618 of the LEMD3 protein (p.Met618Thr). This variant is not present in population databases (gnomAD no frequency). This variant has not been reported in the literature in individuals affected with LEMD3-related conditions. ClinVar contains an entry for this variant (Variation ID: 1966074). Invitae Evidence Modeling of protein sequence and biophysical properties (such as structural, functional, and spatial information, amino acid conservation, physicochemical variation, residue mobility, and thermodynamic stability) indicates that this missense variant is not expected to disrupt LEMD3 protein function with a negative predictive value of 80%. In summary, the available evidence is currently insufficient to determine the role of this variant in disease. Therefore, it has been classified as a Variant of Uncertain Significance.